The following is an entry in ClinVar:

ClinVar aggregate classification (germline): Uncertain significance (1 of 4 stars; one submission).

Conditions:
Creatine transporter deficiency (CCDS1). Also called: CEREBRAL CREATINE DEFICIENCY SYNDROME 1; Mental retardation , X-linked with seizures, short stature and midface hypoplasia; Mental retardation , X-linked, with creatine transport deficiency; X-linked creatine transporter deficiency; X-linked creatine deficiency syndrome; SLC6A8-Related Creatine Transporter Deficiency. Identifiers: Orphanet 52503, MedGen C1845862, MONDO:0010305, OMIM 300352.

Submission:

Labcorp Genetics (formerly Invitae), Labcorp
Classification: Uncertain significance for Creatine transporter deficiency. Last evaluated: 2022-03-03. Review status: criteria provided, single submitter. Criteria: Invitae Variant Classification Sherloc (09022015). Collection method: clinical testing. Allele origin: germline.
Comment: This sequence change replaces cysteine, which is neutral and slightly polar, with arginine, which is basic and polar, at codon 337 of the SLC6A8 protein (p.Cys337Arg). This variant is not present in population databases (gnomAD no frequency). This variant has not been reported in the literature in individuals affected with SLC6A8-related conditions. ClinVar contains an entry for this variant (Variation ID: 999198). Algorithms developed to predict the effect of missense changes on protein structure and function are either unavailable or do not agree on the potential impact of this missense change (SIFT: "Deleterious"; PolyPhen-2: "Probably Damaging"; Align-GVGD: "Class C0"). In summary, the available evidence is currently insufficient to determine the role of this variant in disease. Therefore, it has been classified as a Variant of Uncertain Significance.

NM_005629.4(SLC6A8):c.1009T>C (p.Cys337Arg)

Gene: SLC6A8 (solute carrier family 6 member 8; plus strand). Cytogenetic location: Xq28.
Variant type: single nucleotide variant.
Coding change: c.1009T>C on transcript NM_005629.4 (MANE Select); coding-DNA position 1009, T replaced by C.
Protein change: p.Cys337Arg; replaces cysteine 337 with arginine.
Molecular consequence: missense variant.
Genome position (GRCh38, 1-based): chrX:153,693,359, T>C. VCF-style: chrX-153693359-T-C. GRCh37 (hg19) VCF-style: chrX-152958814-T-C.
Other names: c.1009T>C, p.Cys337Arg (NM_001142805.2); c.664T>C, p.Cys222Arg (NM_001142806.1); short protein forms C222R, C337R.
Identifiers: ClinVar variation 999198 (VCV000999198.8), dbSNP rs2091468099, ClinGen allele CA415084956.